The following is an entry in ClinVar:

NM_000059.4(BRCA2):c.2254G>C (p.Asp752His)

Gene: BRCA2 (BRCA2 DNA repair associated; plus strand). Cytogenetic location: 13q13.1.
Variant type: single nucleotide variant.
Coding change: c.2254G>C on transcript NM_000059.4 (MANE Select); coding-DNA position 2254, G replaced by C.
Protein change: p.Asp752His; replaces aspartic acid 752 with histidine.
Molecular consequence: missense variant.
Genome position (GRCh38, 1-based): chr13:32,336,609, G>C. VCF-style: chr13-32336609-G-C. GRCh37 (hg19) VCF-style: chr13-32910746-G-C.
Other names: short protein forms D752H.
Identifiers: ClinVar variation 856701 (VCV000856701.11), dbSNP rs2072453633, ClinGen allele CA387770922.

ClinVar aggregate classification (germline): Conflicting classifications of pathogenicity. Review status: criteria provided, conflicting classifications (1 of 4 stars). 2 submissions from 2 submitters: Uncertain significance (1); Likely benign (1). Last evaluated 2023-03-23.

Conditions:
Hereditary breast ovarian cancer syndrome. Also called: Breast and ovarian cancer; BRCA1- and BRCA2-Associated Hereditary Breast and Ovarian Cancer; Hereditary breast and ovarian cancer; Hereditary breast and ovarian cancer syndrome (HBOC); Hereditary breast and/or ovarian cancer syndrome; Hereditary breast and ovarian cancer syndrome. Identifiers: Orphanet 145, MedGen C0677776, MeSH D061325, MONDO:0003582. Disease mechanism: loss of function.
Hereditary cancer-predisposing syndrome. Also called: Tumor predisposition; Hereditary neoplastic syndrome; Neoplastic Syndromes, Hereditary; Hereditary Cancer Syndrome. Identifiers: Orphanet 140162, MedGen C0027672, MeSH D009386, MONDO:0015356.

Submissions (2):

University of Washington Department of Laboratory Medicine, University of Washington
Classification: Likely benign for Hereditary cancer-predisposing syndrome. Last evaluated: 2023-03-23. Review status: criteria provided, single submitter. Criteria: Dines et al. (Genet Med. 2020). Collection method: curation. Allele origin: germline.
Comment: Missense variant in a coldspot region where missense variants are very unlikely to be pathogenic (PMID:31911673).

BRCA2 exon 11 coldspot. Reclassification based on statistical prior probability.

Labcorp Genetics (formerly Invitae), Labcorp
Classification: Uncertain significance for Hereditary breast ovarian cancer syndrome. Last evaluated: 2021-01-14. Review status: criteria provided, single submitter. Criteria: Invitae Variant Classification Sherloc (09022015). Collection method: clinical testing. Allele origin: germline.
Comment: This sequence change replaces aspartic acid with histidine at codon 752 of the BRCA2 protein (p.Asp752His). The aspartic acid residue is weakly conserved and there is a moderate physicochemical difference between aspartic acid and histidine. This variant is not present in population databases (ExAC no frequency). This variant has not been reported in the literature in individuals with BRCA2-related conditions. Algorithms developed to predict the effect of missense changes on protein structure and function output the following: SIFT: "Tolerated"; PolyPhen-2: "Benign"; Align-GVGD: "Class C0". The histidine amino acid residue is found in multiple mammalian species, suggesting that this missense change does not adversely affect protein function. These predictions have not been confirmed by published functional studies and their clinical significance is uncertain. In summary, the available evidence is currently insufficient to determine the role of this variant in disease. Therefore, it has been classified as a Variant of Uncertain Significance.